The following is an entry in ClinVar:

ClinVar aggregate classification (germline): Likely pathogenic (1 of 4 stars; one submission).

Conditions:
Mucopolysaccharidosis, MPS-I-S. Also called: MUCOPOLYSACCHARIDOSIS TYPE IS; MPS V; MUCOPOLYSACCHARIDOSIS TYPE V; Scheie Syndrome. Identifiers: Orphanet 93474, MedGen C0026708, MONDO:0011760, OMIM 607016.

Submission:

Neuberg Centre For Genomic Medicine, NCGM
Classification: Likely pathogenic for Mucopolysaccharidosis, MPS-I-S. Last evaluated: 2023-06-22. Review status: criteria provided, single submitter. Criteria: ACMG Guidelines, 2015. Collection method: clinical testing. Allele origin: germline. Inheritance: Autosomal recessive inheritance. Affected: yes.
Comment: The stop gained variant c.723C>A p.Cys241Ter in the IDUA gene has not been reported previously as a pathogenic variant nor as a benign variant, to our knowledge. The variant is absent in the gnomAD Exomes. This variant is predicted to cause a loss of normal protein function through protein truncation. Loss of function variants has been previously reported to be disease causing Poletto et al., 2018. For these reasons, this variant has been classified as Likely Pathogenic.

NM_000203.5(IDUA):c.723C>A (p.Cys241Ter)

Gene: IDUA (alpha-L-iduronidase; plus strand). Cytogenetic location: 4p16.3.
Variant type: single nucleotide variant.
Coding change: c.723C>A on transcript NM_000203.5 (MANE Select); coding-DNA position 723, C replaced by A.
Protein change: p.Cys241Ter; replaces cysteine 241 with a stop codon.
Molecular consequence: nonsense. On other transcripts: non-coding transcript variant (1).
Genome position (GRCh38, 1-based): chr4:1,001,812, C>A. VCF-style: chr4-1001812-C-A. GRCh37 (hg19) VCF-style: chr4-995600-C-A.
Other names: c.327C>A, p.Cys109Ter (NM_001363576.1); short protein forms C109*, C241*.
Identifiers: ClinVar variation 3391403 (VCV003391403.1).
Genomic context (GRCh38, chr4:1,001,812, plus strand): 5'-CGGCGACTCCTTCCACACCCCACCGCGATCCCCGCTGAGCTGGGGCCTCCTGCGCCACTG[C>A]CACGACGGTACCAACTTCTTCACTGGGGAGGCGGGCGTGCGGCTGGACTACATCTCCCTC-3'